The following is an entry in ClinVar:

NM_000722.4(CACNA2D1):c.1656A>C (p.Lys552Asn)

Gene: CACNA2D1 (calcium voltage-gated channel auxiliary subunit alpha2delta 1; minus strand). Cytogenetic location: 7q21.11.
Variant type: single nucleotide variant.
Coding change: c.1656A>C on transcript NM_000722.4 (MANE Select); coding-DNA position 1656, A replaced by C.
Protein change: p.Lys552Asn; replaces lysine 552 with asparagine.
Molecular consequence: missense variant.
Genome position (GRCh38, 1-based): chr7:81,997,185, T>G on the plus strand (A>C on the coding strand, the complement: CACNA2D1 is on the minus strand). VCF-style: chr7-81997185-T-G. GRCh37 (hg19) VCF-style: chr7-81626501-T-G.
Other names: c.1713A>C, p.Lys571Asn (NM_001366867.1); short protein forms K571N, K552N.
Identifiers: ClinVar variation 4729678 (VCV004729678.1).

ClinVar aggregate classification (germline): Uncertain significance (1 of 4 stars; one submission).

Conditions:
Brugada syndrome. Also called: Sudden unexpected nocturnal death syndrome; Sudden unexplained nocturnal death syndrome; Sudden Unexplained Death Syndrome; Sudden Unexplained Nocturnal Death Syndrome (SUNDS). Identifiers: Orphanet 130, MedGen C1142166, MONDO:0015263.

Submission:

Labcorp Genetics (formerly Invitae), Labcorp
Classification: Uncertain significance for Brugada syndrome. Last evaluated: 2025-10-22. Review status: criteria provided, single submitter. Criteria: Invitae Variant Classification Sherloc (09022015). Collection method: clinical testing. Allele origin: germline.
Comment: This sequence change replaces lysine, which is basic and polar, with asparagine, which is neutral and polar, at codon 552 of the CACNA2D1 protein (p.Lys552Asn). This variant is not present in population databases (gnomAD no frequency). This variant has not been reported in the literature in individuals affected with CACNA2D1-related conditions. An algorithm developed to predict the effect of missense changes on protein structure and function (PolyPhen-2) suggests that this variant is likely to be tolerated. In summary, the available evidence is currently insufficient to determine the role of this variant in disease. Therefore, it has been classified as a Variant of Uncertain Significance.